The following is an entry in ClinVar:

ClinVar aggregate classification (germline): Uncertain significance. Review status: criteria provided, multiple submitters, no conflicts (2 of 4 stars). 3 submissions from 3 submitters: Uncertain significance (3). Last evaluated 2025-10-07.

Conditions:
Cardiovascular phenotype. Identifiers: MedGen CN230736.
Atrioventricular septal defect 4 (AVSD4). Identifiers: MedGen C3280781, MONDO:0013747, OMIM 614430.

Allele frequency attached by ClinVar (database versions not stated): ExAC 0.00002.

Submissions (3):

Labcorp Genetics (formerly Invitae), Labcorp
Classification: Uncertain significance for Atrioventricular septal defect 4. Last evaluated: 2025-10-07. Review status: criteria provided, single submitter. Criteria: Invitae Variant Classification Sherloc (09022015). Collection method: clinical testing. Allele origin: germline.
Comment: This sequence change replaces alanine, which is neutral and non-polar, with serine, which is neutral and polar, at codon 263 of the GATA4 protein (p.Ala263Ser). This variant is present in population databases (rs201520087, gnomAD 0.006%). This variant has not been reported in the literature in individuals affected with GATA4-related conditions. ClinVar contains an entry for this variant (Variation ID: 1057533). Invitae Evidence Modeling of protein sequence and biophysical properties (such as structural, functional, and spatial information, amino acid conservation, physicochemical variation, residue mobility, and thermodynamic stability) indicates that this missense variant is not expected to disrupt GATA4 protein function with a negative predictive value of 95%. In summary, the available evidence is currently insufficient to determine the role of this variant in disease. Therefore, it has been classified as a Variant of Uncertain Significance.

GeneDx
Classification: Uncertain significance. Last evaluated: 2023-10-18. Review status: criteria provided, single submitter. Criteria: GeneDx Variant Classification Process June 2021. Collection method: clinical testing. Allele origin: germline. Affected: yes.
Comment: Has not been previously published as pathogenic or benign to our knowledge; In silico analysis supports that this missense variant does not alter protein structure/function

Ambry Genetics
Classification: Uncertain significance for Cardiovascular phenotype. Last evaluated: 2023-05-15. Review status: criteria provided, single submitter. Criteria: Ambry Variant Classification Scheme 2023. Collection method: clinical testing. Allele origin: germline.
Comment: The p.A263S variant (also known as c.787G>T), located in coding exon 3 of the GATA4 gene, results from a G to T substitution at nucleotide position 787. The alanine at codon 263 is replaced by serine, an amino acid with similar properties. This amino acid position is conserved. In addition, the in silico prediction for this alteration is inconclusive. Since supporting evidence is limited at this time, the clinical significance of this alteration remains unclear.

NM_001308093.3(GATA4):c.790G>T (p.Ala264Ser)

Gene: GATA4 (GATA binding protein 4). Cytogenetic location: 8p23.1.
Variant type: single nucleotide variant.
Coding change: c.790G>T on transcript NM_001308093.3 (MANE Select); coding-DNA position 790, G replaced by T.
Protein change: p.Ala264Ser; replaces alanine 264 with serine.
Molecular consequence: missense variant. On other transcripts: intron variant (1).
Genome position (GRCh38, 1-based): chr8:11,750,114, G>T. VCF-style: chr8-11750114-G-T. GRCh37 (hg19) VCF-style: chr8-11607623-G-T.
Other names: c.169G>T, p.Ala57Ser (NM_001308094.2, NM_001374273.1); c.787G>T, p.Ala263Ser (NM_002052.5); c.165+1029G>T (NM_001374274.1); c.787G>T (NM_002052.3); short protein forms A263S, A264S, A57S.
Identifiers: ClinVar variation 1057533 (VCV001057533.9), dbSNP rs201520087, ClinGen allele CA4630706.